The following is an entry in ClinVar:

NM_001292063.2(OTOG):c.94+29G>A

Gene: OTOG (otogelin; plus strand). Cytogenetic location: 11p15.1.
Variant type: single nucleotide variant.
Coding change: c.94+29G>A on transcript NM_001292063.2 (MANE Select); 29 bases into the intron after coding-DNA position 94, G replaced by A.
Molecular consequence: intron variant. On other transcripts: synonymous variant (1).
Genome position (GRCh38, 1-based): chr11:17,547,495, G>A. VCF-style: chr11-17547495-G-A. GRCh37 (hg19) VCF-style: chr11-17569042-G-A.
Other names: c.123G>A, p.Ser41= (NM_001277269.2).
Identifiers: ClinVar variation 4874983 (VCV004874983.2).
Genomic context (GRCh38, chr11:17,547,495, plus strand): 5'-GGCAGCCGAGTCCCTGCGGGTGCAGCGCCTCGGTGAGAGGGTTGTGGACTCAGGGAGGTC[G>A]GGGGCTCGAGGAATGAGAAACGTTAAAGGAATGAGGAATGGGCCCGCGCAGGTTGGAGAG-3'

ClinVar aggregate classification (germline): Likely benign (1 of 4 stars; one submission).

gnomAD v4.1: 17 of 1,327,854 alleles (0.0013%); highest among the groups gnomAD compares: East Asian, 0.003%; no homozygotes.

Submission:

CeGaT Center for Human Genetics Tuebingen
Classification: Likely benign. Last evaluated: 2026-05-01. Review status: criteria provided, single submitter. Criteria: CeGaT Center For Human Genetics Tuebingen Variant Classification Criteria Version 2. Collection method: clinical testing. Allele origin: germline. Affected: yes. Observed: 1 variant allele.
Comment: OTOG: BP4, BP7